The following is an entry in ClinVar:

ClinVar aggregate classification (germline): Benign/Likely benign. Review status: criteria provided, multiple submitters, no conflicts (2 of 4 stars). 5 submissions from 5 submitters: Benign (1); Likely benign (4). Last evaluated 2026-03-01.

Conditions:
Hereditary cancer-predisposing syndrome. Also called: Tumor predisposition; Hereditary Cancer Syndrome; Neoplastic Syndromes, Hereditary; Hereditary neoplastic syndrome. Identifiers: Orphanet 140162, MedGen C0027672, MeSH D009386, MONDO:0015356.
Tuberous sclerosis 2 (TSC2). Identifiers: Orphanet 805, MedGen C1860707, MONDO:0013199, OMIM 613254.
Tuberous sclerosis syndrome (TSC). Also called: Tuberous Sclerosis Complex; Tuberous sclerosis. Identifiers: Orphanet 805, MedGen C0041341, MONDO:0001734.

Allele frequency attached by ClinVar (database versions not stated): TOPMed below 0.00001.
gnomAD v4.1: 1 of 1,612,660 alleles (0.000062%); highest among the groups gnomAD compares: Admixed American, 0.0017%; no homozygotes.

Submissions (5):

CeGaT Center for Human Genetics Tuebingen
Classification: Likely benign. Last evaluated: 2026-03-01. Review status: criteria provided, single submitter. Criteria: CeGaT Center For Human Genetics Tuebingen Variant Classification Criteria Version 2. Collection method: clinical testing. Allele origin: germline. Affected: yes. Observed: 1 variant allele.
Comment: TSC2: BP4, BP7

Labcorp Genetics (formerly Invitae), Labcorp
Classification: Likely benign for Tuberous sclerosis 2. Last evaluated: 2025-11-05. Review status: criteria provided, single submitter. Criteria: Invitae Variant Classification Sherloc (09022015). Collection method: clinical testing. Allele origin: germline.

Myriad Genetics, Inc.
Classification: Benign for Tuberous sclerosis 2. Last evaluated: 2025-06-04. Review status: criteria provided, single submitter. Criteria: Myriad Autosomal Dominant, Autosomal Recessive and X-Linked Classification Criteria (2023). Collection method: clinical testing. Allele origin: unknown.
Comment: This variant is considered benign. This variant is a silent/synonymous amino acid change and it is not expected to impact splicing.

Color Diagnostics, LLC DBA Color Health
Classification: Likely benign for Tuberous sclerosis syndrome. Last evaluated: 2022-11-06. Review status: criteria provided, single submitter. Criteria: ACMG Guidelines, 2015. Collection method: clinical testing. Allele origin: germline.

Ambry Genetics
Classification: Likely benign for Hereditary cancer-predisposing syndrome. Last evaluated: 2021-12-28. Review status: criteria provided, single submitter. Criteria: Ambry Variant Classification Scheme 2023. Collection method: clinical testing. Allele origin: germline.

NM_000548.5(TSC2):c.4656A>G (p.Glu1552=)

Gene: TSC2 (TSC complex subunit 2; plus strand). Cytogenetic location: 16p13.3.
Variant type: single nucleotide variant.
Coding change: c.4656A>G on transcript NM_000548.5 (MANE Select); coding-DNA position 4656, A replaced by G.
Protein change: p.Glu1552=; no amino-acid change (glutamic acid 1552 retained).
Molecular consequence: synonymous variant.
Genome position (GRCh38, 1-based): chr16:2,085,316, A>G. VCF-style: chr16-2085316-A-G. GRCh37 (hg19) VCF-style: chr16-2135317-A-G.
Other names: c.4455A>G, p.Glu1485= (NM_001077183.3); c.4587A>G, p.Glu1529= (NM_001114382.3); c.4347A>G, p.Glu1449= (NM_001318827.2); c.4311A>G, p.Glu1437= (NM_001318829.2); c.3924A>G, p.Glu1308= (NM_001318831.2); c.4488A>G, p.Glu1496= (NM_001318832.2); c.4458A>G, p.Glu1486= (NM_001363528.2); c.4524A>G, p.Glu1508= (NM_001370404.1); and 1 more.
Identifiers: ClinVar variation 238057 (VCV000238057.19), dbSNP rs878854110, ClinGen allele CA10583337.
Genomic context (GRCh38, chr16:2,085,316, plus strand): 5'-GCTCCTCGACCAGATCCCATCATACGACACCCACAAGATCGCCGTCCTGTATGTTGGAGA[A>G]GGCCAGGTGAGGCTGCGGGGCCGGCCTAGGTGCCTGGACAGGGCCAGCTGGGCCTCAGCC-3'
Protein context (NP_000539.2, residues 1542-1562): THKIAVLYVG[Glu1552=]GQSNSELAIL